The following is an entry in ClinVar:

NM_017617.5(NOTCH1):c.160_188del (p.Gly54fs)

Gene: NOTCH1 (notch receptor 1; minus strand). Cytogenetic location: 9q34.3.
Variant type: Deletion.
Coding change: c.160_188del on transcript NM_017617.5 (MANE Select); coding-DNA positions 160 to 188, 29 bases deleted (GGCCCGCGATGCCAGGACCCCAACCCGTG).
Protein change: p.Gly54fs; shifts the reading frame from glycine 54.
Molecular consequence: frameshift variant.
Genome position (GRCh38, 1-based): chr9:136,523,932-136,523,960, CACGGGTTGGGGTCCTGGCATCGCGGGCC deleted on the plus strand (GGCCCGCGATGCCAGGACCCCAACCCGTG on the coding strand, the reverse complement: NOTCH1 is on the minus strand); deleting any 29 consecutive bases within chr9:136,523,932-136,523,964 gives the same sequence; the c. name uses the placement nearest the transcript's 3' end. VCF-style (leftmost placement, unchanged base first): chr9-136523931-GCACGGGTTGGGGTCCTGGCATCGCGGGCC-G. GRCh37 (hg19) VCF-style: chr9-139418383-GCACGGGTTGGGGTCCTGGCATCGCGGGCC-G.
Other names: short protein forms G54fs.
Identifiers: ClinVar variation 4530432 (VCV004530432.1).

ClinVar aggregate classification (somatic clinical impact): Tier II - Potential (1 of 4 stars; one submission).

Conditions:
IDH-wildtype glioblastoma. Identifiers: MedGen CN372125, MONDO:0850335.

Submission:

Institute for Genomic Medicine (IGM) Clinical Laboratory, Nationwide Children's Hospital
Classification: Tier II - Potential for IDH-wildtype glioblastoma. Assertion type: diagnostic. Clinical significance: supports diagnosis. Last evaluated: 2023-01-09. Review status: criteria provided, single submitter. Criteria: AMP/ASCO/CAP Guidelines, 2017. Collection method: clinical testing. Allele origin: somatic. Affected: yes.
Comment: Variant has Tier II (potential) clinical significance as a diagnostic inclusion criterion in IDH-wildtype glioblastoma, based on the following evidence: 1) Information in the literature supports potential biologic effect of variant (PMIDs: 24651013, 22006338). 2) Assists in diagnosis alone or along with other biomarkers based on small studies or few case reports (Evidence Level D).

Literature cited by the submitters: PubMed 24651013; PubMed 22006338.